The following is an entry in ClinVar:

NM_001369.3(DNAH5):c.3736C>T (p.Pro1246Ser)

Genes: DNAH5 (dynein axonemal heavy chain 5; minus strand), DNAH5-AS1 (DNAH5 antisense RNA 1; plus strand). Cytogenetic location: 5p15.2.
Variant type: single nucleotide variant.
Coding change: c.3736C>T on transcript NM_001369.3 (MANE Select); coding-DNA position 3736, C replaced by T.
Protein change: p.Pro1246Ser; replaces proline 1246 with serine.
Molecular consequence: missense variant.
Genome position (GRCh38, 1-based): chr5:13,870,865, G>A on the plus strand (C>T on the coding strand, the complement: DNAH5 is on the minus strand). VCF-style: chr5-13870865-G-A. GRCh37 (hg19) VCF-style: chr5-13870974-G-A.
Other names: c.3736C>T (NM_001369.2); short protein forms P1246S.
Identifiers: ClinVar variation 1420883 (VCV001420883.7), dbSNP rs1769992971, ClinGen allele CA359231794.

ClinVar aggregate classification (germline): Uncertain significance. Review status: criteria provided, multiple submitters, no conflicts (2 of 4 stars). 2 submissions from 2 submitters: Uncertain significance (2). Last evaluated 2025-11-24.

Conditions:
Primary ciliary dyskinesia. Also called: Ciliary dyskinesia. Identifiers: Orphanet 244, MedGen C0008780, MONDO:0016575, HP:0012265.

Allele frequency attached by ClinVar (database versions not stated): gnomAD 0.00001; TOPMed 0.00002.

Submissions (2):

Ambry Genetics
Classification: Uncertain significance for Primary ciliary dyskinesia. Last evaluated: 2025-11-24. Review status: criteria provided, single submitter. Criteria: Ambry Variant Classification Scheme 2023. Collection method: clinical testing. Allele origin: germline.

Labcorp Genetics (formerly Invitae), Labcorp
Classification: Uncertain significance for Primary ciliary dyskinesia. Last evaluated: 2024-05-08. Review status: criteria provided, single submitter. Criteria: Invitae Variant Classification Sherloc (09022015). Collection method: clinical testing. Allele origin: germline.
Comment: This sequence change replaces proline, which is neutral and non-polar, with serine, which is neutral and polar, at codon 1246 of the DNAH5 protein (p.Pro1246Ser). This variant is not present in population databases (gnomAD no frequency). This variant has not been reported in the literature in individuals affected with DNAH5-related conditions. ClinVar contains an entry for this variant (Variation ID: 1420883). Advanced modeling of protein sequence and biophysical properties (such as structural, functional, and spatial information, amino acid conservation, physicochemical variation, residue mobility, and thermodynamic stability) performed at Invitae indicates that this missense variant is not expected to disrupt DNAH5 protein function with a negative predictive value of 95%. In summary, the available evidence is currently insufficient to determine the role of this variant in disease. Therefore, it has been classified as a Variant of Uncertain Significance.